The following is an entry in ClinVar:

ClinVar aggregate classification (germline): Likely benign. Review status: criteria provided, multiple submitters, no conflicts (2 of 4 stars). 9 submissions from 9 submitters: Likely benign (7). 2 of the submissions do not count toward it. Last evaluated 2026-01-06.

Conditions:
Cardiovascular phenotype. Identifiers: MedGen CN230736.
Hypertrophic cardiomyopathy 26. Also called: Cardiomyopathy, familial hypertrophic, 26. Identifiers: Orphanet 75249, MedGen C4310749, MONDO:0014883, OMIM 617047.
Myofibrillar myopathy 5. Also called: Filaminopathy (type); FILAMINOPATHY, AUTOSOMAL DOMINANT. Identifiers: Orphanet 171445, MedGen C1836050, MONDO:0012289, OMIM 609524.
Distal myopathy with posterior leg and anterior hand involvement. Also called: WILLIAMS DISTAL MYOPATHY. Identifiers: Orphanet 63273, MedGen C3279722, MONDO:0013550, OMIM 614065.

Allele frequency attached by ClinVar (database versions not stated): ExAC 0.00016; TOPMed 0.00021; gnomAD exomes 0.00022 and 0.00047; gnomAD 0.00028 and 0.00029.
gnomAD v4.1: 712 of 1,612,526 alleles (0.044%); highest among the groups gnomAD compares: Non-Finnish European, 0.059%; no homozygotes.

Submissions (9):

Labcorp Genetics (formerly Invitae), Labcorp
Classification: Likely benign for Distal myopathy with posterior leg and anterior hand involvement; Myofibrillar myopathy 5; Hypertrophic cardiomyopathy 26. Last evaluated: 2026-01-06. Review status: criteria provided, single submitter. Criteria: Invitae Variant Classification Sherloc (09022015). Collection method: clinical testing. Allele origin: germline.

Molecular Diagnostic Laboratory for Inherited Cardiovascular Disease, Montreal Heart Institute
Classification: Likely benign. Last evaluated: 2025-07-24. Review status: criteria provided, single submitter. Criteria: ACMG Guidelines, 2015. Collection method: clinical testing. Allele origin: germline. Affected: no.
Comment: BS1;BP7

Blueprint Genetics
Classification: Likely benign. Last evaluated: 2024-11-26. Review status: criteria provided, single submitter. Criteria: ACMG Guidelines, 2015. Collection method: clinical testing. Allele origin: germline.

CeGaT Center for Human Genetics Tuebingen
Classification: Likely benign. Last evaluated: 2024-03-01. Review status: criteria provided, single submitter. Criteria: CeGaT Center For Human Genetics Tuebingen Variant Classification Criteria Version 2. Collection method: clinical testing. Allele origin: germline. Affected: yes. Observed: 4 variant alleles.
Comment: FLNC: BP4, BP7

GeneDx
Classification: Likely benign. Last evaluated: 2021-01-06. Review status: criteria provided, single submitter. Criteria: GeneDx Variant Classification Process June 2021. Collection method: clinical testing. Allele origin: germline. Affected: yes.

Ambry Genetics
Classification: Likely benign for Cardiovascular phenotype. Last evaluated: 2019-10-20. Review status: criteria provided, single submitter. Criteria: Ambry Variant Classification Scheme 2023. Collection method: clinical testing. Allele origin: germline.

Breakthrough Genomics
Classification: Likely benign. Review status: criteria provided, single submitter. Criteria: ACMG Guidelines, 2015. Collection method: not provided. Allele origin: germline. Inheritance: Autosomal dominant inheritance. Affected: yes.

Clinical Genetics, Academic Medical Center
Classification: Benign. Review status: no assertion criteria provided. Collection method: clinical testing. Allele origin: germline. Affected: yes. Study: VKGL Data-share Consensus. Not counted in ClinVar's aggregate classification.

Joint Genome Diagnostic Labs from Nijmegen and Maastricht, Radboudumc and MUMC+
Classification: Likely benign. Review status: no assertion criteria provided. Collection method: clinical testing. Allele origin: germline. Affected: yes. Study: VKGL Data-share Consensus. Not counted in ClinVar's aggregate classification.

NM_001458.5(FLNC):c.294G>A (p.Glu98=)

Gene: FLNC (filamin C; plus strand). Cytogenetic location: 7q32.1.
Variant type: single nucleotide variant.
Coding change: c.294G>A on transcript NM_001458.5 (MANE Select); coding-DNA position 294, G replaced by A.
Protein change: p.Glu98=; no amino-acid change (glutamic acid 98 retained).
Molecular consequence: synonymous variant.
Genome position (GRCh38, 1-based): chr7:128,830,931, G>A. VCF-style: chr7-128830931-G-A. GRCh37 (hg19) VCF-style: chr7-128470985-G-A.
Other names: c.294G>A, p.Glu98= (NM_001127487.2).
Identifiers: ClinVar variation 472024 (VCV000472024.61), dbSNP rs201839252, ClinGen allele CA4473990.